The following is an entry in ClinVar:

NM_001690.4(ATP6V1A):c.1732C>T (p.Leu578Phe)

Gene: ATP6V1A (ATPase H+ transporting V1 subunit A; plus strand). Cytogenetic location: 3q13.31.
Variant type: single nucleotide variant.
Coding change: c.1732C>T on transcript NM_001690.4 (MANE Select); coding-DNA position 1732, C replaced by T.
Protein change: p.Leu578Phe; replaces leucine 578 with phenylalanine.
Molecular consequence: missense variant.
Genome position (GRCh38, 1-based): chr3:113,805,496, C>T. VCF-style: chr3-113805496-C-T. GRCh37 (hg19) VCF-style: chr3-113524343-C-T.
Other names: short protein forms L578F.
Identifiers: ClinVar variation 2816550 (VCV002816550.3), dbSNP rs1577097291, ClinGen allele CA353994055.

ClinVar aggregate classification (germline): Uncertain significance (1 of 4 stars; one submission).

Allele frequency attached by ClinVar (database versions not stated): gnomAD exomes below 0.00001.
gnomAD v4.1: 2 of 1,612,688 alleles (0.00012%); highest among the groups gnomAD compares: Non-Finnish European, 0.00017%; no homozygotes.

Submission:

Labcorp Genetics (formerly Invitae), Labcorp
Classification: Uncertain significance. Last evaluated: 2023-06-11. Review status: criteria provided, single submitter. Criteria: Invitae Variant Classification Sherloc (09022015). Collection method: clinical testing. Allele origin: germline.
Comment: In summary, the available evidence is currently insufficient to determine the role of this variant in disease. Therefore, it has been classified as a Variant of Uncertain Significance. Advanced modeling of protein sequence and biophysical properties (such as structural, functional, and spatial information, amino acid conservation, physicochemical variation, residue mobility, and thermodynamic stability) performed at Invitae indicates that this missense variant is not expected to disrupt ATP6V1A protein function. This variant has not been reported in the literature in individuals affected with ATP6V1A-related conditions. This variant is not present in population databases (gnomAD no frequency). This sequence change replaces leucine, which is neutral and non-polar, with phenylalanine, which is neutral and non-polar, at codon 578 of the ATP6V1A protein (p.Leu578Phe).